The following is an entry in ClinVar:

ClinVar aggregate classification (germline): Uncertain significance (1 of 4 stars; one submission).

Conditions:
Bethlem myopathy 1A. Also called: Bethlem myopathy 1; Bethlem Muscular Dystrophy; MYOPATHY, BENIGN CONGENITAL, WITH CONTRACTURES. Identifiers: Orphanet 610, MedGen CN029274, MONDO:0024530, OMIM 158810.

Submission:

Labcorp Genetics (formerly Invitae), Labcorp
Classification: Uncertain significance for Bethlem myopathy 1A. Last evaluated: 2023-09-15. Review status: criteria provided, single submitter. Criteria: Invitae Variant Classification Sherloc (09022015). Collection method: clinical testing. Allele origin: germline.
Comment: In summary, the available evidence is currently insufficient to determine the role of this variant in disease. Therefore, it has been classified as a Variant of Uncertain Significance. Advanced modeling of protein sequence and biophysical properties (such as structural, functional, and spatial information, amino acid conservation, physicochemical variation, residue mobility, and thermodynamic stability) performed at Invitae indicates that this missense variant is expected to disrupt COL6A2 protein function. This variant has not been reported in the literature in individuals affected with COL6A2-related conditions. This variant is not present in population databases (gnomAD no frequency). This sequence change replaces tryptophan, which is neutral and slightly polar, with cysteine, which is neutral and slightly polar, at codon 696 of the COL6A2 protein (p.Trp696Cys).

NM_001849.4(COL6A2):c.2088G>C (p.Trp696Cys)

Gene: COL6A2 (collagen type VI alpha 2 chain; plus strand). Cytogenetic location: 21q22.3.
Variant type: single nucleotide variant.
Coding change: c.2088G>C on transcript NM_001849.4 (MANE Select); coding-DNA position 2088, G replaced by C.
Protein change: p.Trp696Cys; replaces tryptophan 696 with cysteine.
Molecular consequence: missense variant.
Genome position (GRCh38, 1-based): chr21:46,125,903, G>C. VCF-style: chr21-46125903-G-C. GRCh37 (hg19) VCF-style: chr21-47545817-G-C.
Other names: c.2088G>C, p.Trp696Cys (NM_058174.3, NM_058175.3); short protein forms W696C.
Identifiers: ClinVar variation 2727201 (VCV002727201.3), dbSNP rs2517017696, ClinGen allele CA410541496.